The following is an entry in ClinVar:

ClinVar aggregate classification (germline): Uncertain significance (1 of 4 stars; one submission).

Allele frequency attached by ClinVar (database versions not stated): gnomAD exomes below 0.00001.
gnomAD v4.1: 1 of 1,614,074 alleles (0.000062%); highest among the groups gnomAD compares: Admixed American, 0.0017%; no homozygotes.

Submission:

Labcorp Genetics (formerly Invitae), Labcorp
Classification: Uncertain significance. Last evaluated: 2022-05-06. Review status: criteria provided, single submitter. Criteria: Invitae Variant Classification Sherloc (09022015). Collection method: clinical testing. Allele origin: germline.
Comment: In summary, the available evidence is currently insufficient to determine the role of this variant in disease. Therefore, it has been classified as a Variant of Uncertain Significance. Experimental studies and prediction algorithms are not available or were not evaluated, and the functional significance of this variant is currently unknown. This variant has not been reported in the literature in individuals affected with COL18A1-related conditions. This variant is not present in population databases (gnomAD no frequency). This sequence change replaces isoleucine with methionine at codon 98 of the COL18A1 protein (p.Ile98Met). There is a small physicochemical difference between isoleucine and methionine.

NM_001379500.1(COL18A1):c.294C>G (p.Ile98Met)

Gene: COL18A1 (collagen type XVIII alpha 1 chain; plus strand). Cytogenetic location: 21q22.3.
Variant type: single nucleotide variant.
Coding change: c.294C>G on transcript NM_001379500.1 (MANE Select); coding-DNA position 294, C replaced by G.
Protein change: p.Ile98Met; replaces isoleucine 98 with methionine.
Molecular consequence: missense variant.
Genome position (GRCh38, 1-based): chr21:45,468,429, C>G. VCF-style: chr21-45468429-C-G. GRCh37 (hg19) VCF-style: chr21-46888343-C-G.
Other names: c.834C>G, p.Ile278Met (NM_030582.4); c.1539C>G, p.Ile513Met (NM_130444.3); short protein forms I278M, I98M, I513M.
Identifiers: ClinVar variation 1363924 (VCV001363924.6), dbSNP rs2145890268, ClinGen allele CA410511754.
Genomic context (GRCh38, chr21:45,468,429, plus strand): 5'-AGTGGCCCGGTACCACTTCCCCAGCCTCTTCTTCCGTGACTTCTCACTGCTGTTCCACAT[C>G]CGGCCAGCCACAGAGGGCCCAGGGGTGCTGTTCGCCATCACGGACTCGGCGCAGGCCATG-3'
Protein context (NP_001366429.1, residues 88-108): FFRDFSLLFH[Ile98Met]RPATEGPGVL